The following is an entry in ClinVar:

ClinVar aggregate classification (germline): Uncertain significance. Review status: criteria provided, multiple submitters, no conflicts (2 of 4 stars). 2 submissions from 2 submitters: Uncertain significance (2). Last evaluated 2025-08-11.

Conditions:
Primary ciliary dyskinesia. Also called: Ciliary dyskinesia. Identifiers: Orphanet 244, MedGen C0008780, MONDO:0016575, HP:0012265.

Allele frequency attached by ClinVar (database versions not stated): ExAC 0.00001; gnomAD 0.00001; TOPMed 0.00001.

Submissions (2):

Ambry Genetics
Classification: Uncertain significance for Primary ciliary dyskinesia. Last evaluated: 2025-08-11. Review status: criteria provided, single submitter. Criteria: Ambry Variant Classification Scheme 2023. Collection method: clinical testing. Allele origin: germline.

GeneDx
Classification: Uncertain significance. Last evaluated: 2022-07-01. Review status: criteria provided, single submitter. Criteria: GeneDx Variant Classification Process June 2021. Collection method: clinical testing. Allele origin: germline. Affected: yes.
Comment: Has not been previously published as pathogenic or benign to our knowledge; Not observed at significant frequency in large population cohorts (gnomAD); In silico analysis supports that this missense variant has a deleterious effect on protein structure/function

NM_001277115.2(DNAH11):c.9472G>A (p.Glu3158Lys)

Gene: DNAH11 (dynein axonemal heavy chain 11; plus strand). Cytogenetic location: 7p15.3.
Variant type: single nucleotide variant.
Coding change: c.9472G>A on transcript NM_001277115.2 (MANE Select); coding-DNA position 9472, G replaced by A.
Protein change: p.Glu3158Lys; replaces glutamic acid 3158 with lysine.
Molecular consequence: missense variant.
Genome position (GRCh38, 1-based): chr7:21,779,093, G>A. VCF-style: chr7-21779093-G-A. GRCh37 (hg19) VCF-style: chr7-21818711-G-A.
Other names: c.9493G>A, p.Glu3165Lys (NM_003777.3); short protein forms E3158K, E3165K.
Identifiers: ClinVar variation 1810035 (VCV001810035.2), dbSNP rs768698591, ClinGen allele CA4181976.
Genomic context (GRCh38, chr7:21,779,093, plus strand): 5'-ATCACAAAGATCGGCCTTCAGACGGAGAAAGTGAGCCGGGAAAAGACCATCGCTGATGCT[G>A]AGGAGCGAAAGGTCAGGCTAATTCCAACATTTAGAGTGCGGAGCTATATTTAGCACAAAA-3'
Protein context (NP_001264044.1, residues 3148-3168): VSREKTIADA[Glu3158Lys]ERKVTAIQTE